The following is an entry in ClinVar:

ClinVar aggregate classification (germline): Uncertain significance (1 of 4 stars; one submission).

Conditions:
Chédiak-Higashi syndrome (CHS). Also called: Chediak-Higashi Syndrome. Identifiers: Orphanet 167, MedGen C0007965, MONDO:0008963, OMIM 214500.

Allele frequency attached by ClinVar (database versions not stated): TOPMed below 0.00001; gnomAD 0.00001.

Submission:

Labcorp Genetics (formerly Invitae), Labcorp
Classification: Uncertain significance for Chédiak-Higashi syndrome. Last evaluated: 2022-02-26. Review status: criteria provided, single submitter. Criteria: Invitae Variant Classification Sherloc (09022015). Collection method: clinical testing. Allele origin: germline.
Comment: This sequence change replaces serine, which is neutral and polar, with leucine, which is neutral and non-polar, at codon 1503 of the LYST protein (p.Ser1503Leu). This variant is not present in population databases (gnomAD no frequency). This variant has not been reported in the literature in individuals affected with LYST-related conditions. Algorithms developed to predict the effect of missense changes on protein structure and function (SIFT, PolyPhen-2, Align-GVGD) all suggest that this variant is likely to be tolerated. In summary, the available evidence is currently insufficient to determine the role of this variant in disease. Therefore, it has been classified as a Variant of Uncertain Significance.

NM_000081.4(LYST):c.4508C>T (p.Ser1503Leu)

Gene: LYST (lysosomal trafficking regulator; minus strand). Cytogenetic location: 1q42.3.
Variant type: single nucleotide variant.
Coding change: c.4508C>T on transcript NM_000081.4 (MANE Select); coding-DNA position 4508, C replaced by T.
Protein change: p.Ser1503Leu; replaces serine 1503 with leucine.
Molecular consequence: missense variant.
Genome position (GRCh38, 1-based): chr1:235,791,734, G>A on the plus strand (C>T on the coding strand, the complement: LYST is on the minus strand). VCF-style: chr1-235791734-G-A. GRCh37 (hg19) VCF-style: chr1-235955034-G-A.
Other names: c.4508C>T, p.Ser1503Leu (NM_001301365.1); short protein forms S1503L.
Identifiers: ClinVar variation 2160607 (VCV002160607.1), dbSNP rs1654603956, ClinGen allele CA344959145.
Genomic context (GRCh38, chr1:235,791,734, plus strand): 5'-AAATCAGATAATCCTGTCATCATACCTGTACCATCAAAACTGCTATCTGGTAAAATTAAT[G>A]ATTTGTTTCTTTTCTTTATCTTCTTTCCTTTTTCTGTAGTACTCTCAGCTTCATGGATAC-3'
Protein context (NP_000072.2, residues 1493-1513): KGKKIKKRNK[Ser1503Leu]LILPDSSFDG